The following is an entry in ClinVar:

NM_015102.5(NPHP4):c.2531C>T (p.Pro844Leu)

Gene: NPHP4 (nephrocystin 4; minus strand). Cytogenetic location: 1p36.31.
Variant type: single nucleotide variant.
Coding change: c.2531C>T on transcript NM_015102.5 (MANE Select); coding-DNA position 2531, C replaced by T.
Protein change: p.Pro844Leu; replaces proline 844 with leucine.
Molecular consequence: missense variant. On other transcripts: non-coding transcript variant (1).
Genome position (GRCh38, 1-based): chr1:5,880,194, G>A on the plus strand (C>T on the coding strand, the complement: NPHP4 is on the minus strand). VCF-style: chr1-5880194-G-A. GRCh37 (hg19) VCF-style: chr1-5940254-G-A.
Other names: p.Pro844Leu; c.992C>T, p.Pro331Leu (NM_001291593.2); c.995C>T, p.Pro332Leu (NM_001291594.2); short protein forms P844L, P331L, P332L.
Identifiers: ClinVar variation 297805 (VCV000297805.19), dbSNP rs186014615, ClinGen allele CA554068.

ClinVar aggregate classification (germline): Conflicting classifications of pathogenicity. Review status: criteria provided, conflicting classifications (1 of 4 stars). 8 submissions from 7 submitters: Uncertain significance (7); Likely benign (1). Last evaluated 2026-09-16.

Conditions:
Inborn genetic diseases. Identifiers: MedGen C0950123, MeSH D030342.
Senior-Loken syndrome 4 (SLSN4). Identifiers: Orphanet 3156, MedGen C1846979, MONDO:0011756, OMIM 606996.
Nephronophthisis 4 (NPHP4). Also called: NEPHRONOPHTHISIS 4, JUVENILE. Identifiers: Orphanet 655, MedGen C1847013, MONDO:0011752, OMIM 606966.
NPHP4-related disorder. Also called: NPHP4-related disorders; NPHP4-related condition. Identifiers: MedGen CN239384.
Nephronophthisis. Also called: Juvenile Nephronophthisis. Identifiers: Orphanet 655, MedGen C0687120, MONDO:0019005, HP:0000090.

Allele frequency attached by ClinVar (database versions not stated): gnomAD exomes 0.00010 and 0.00022; ESP Exome Variant Server 0.00016; 1000 Genomes Project 0.00020; ExAC 0.00021; 1000 Genomes Project 30x 0.00031; TOPMed 0.00034; gnomAD 0.00042.
gnomAD v4.1: 210 of 1,613,658 alleles (0.013%); highest among the groups gnomAD compares: African/African-American, 0.12%; 2 homozygotes.

Submissions (8):

PreventionGenetics, part of Exact Sciences
Classification: Uncertain significance for NPHP4-related condition. Last evaluated: 2026-09-16. Review status: criteria provided, single submitter. Criteria: ACMG Guidelines, 2015. Collection method: clinical testing. Allele origin: germline.
Comment: The NPHP4 c.2531C>T variant is predicted to result in the amino acid substitution p.Pro844Leu. To our knowledge, this variant has not been reported in the literature. This variant is reported in 0.10% of alleles in individuals of African descent in gnomAD. Although we suspect that this variant may be benign, at this time, the clinical significance of this variant is uncertain due to the absence of conclusive functional and genetic evidence.

Labcorp Genetics (formerly Invitae), Labcorp
Classification: Uncertain significance for Nephronophthisis. Last evaluated: 2026-01-26. Review status: criteria provided, single submitter. Criteria: Invitae Variant Classification Sherloc (09022015). Collection method: clinical testing. Allele origin: germline.
Comment: This sequence change replaces proline, which is neutral and non-polar, with leucine, which is neutral and non-polar, at codon 844 of the NPHP4 protein (p.Pro844Leu). This variant is present in population databases (rs186014615, gnomAD 0.1%), including at least one homozygous and/or hemizygous individual. This variant has not been reported in the literature in individuals affected with NPHP4-related conditions. ClinVar contains an entry for this variant (Variation ID: 297805). Invitae Evidence Modeling of protein sequence and biophysical properties (such as structural, functional, and spatial information, amino acid conservation, physicochemical variation, residue mobility, and thermodynamic stability) has been performed for this missense variant. However, the output from this modeling did not meet the statistical confidence thresholds required to predict the impact of this variant on NPHP4 protein function. In summary, the available evidence is currently insufficient to determine the role of this variant in disease. Therefore, it has been classified as a Variant of Uncertain Significance.

Mayo Clinic Laboratories, Mayo Clinic
Classification: Uncertain significance. Last evaluated: 2024-05-09. Review status: criteria provided, single submitter. Criteria: ACMG Guidelines, 2015. Collection method: clinical testing. Allele origin: germline. Observed: 1 variant allele.
Comment: PM2_moderate

Blueprint Genetics
Classification: Likely benign. Last evaluated: 2023-08-29. Review status: criteria provided, single submitter. Criteria: ACMG Guidelines, 2015. Collection method: clinical testing. Allele origin: germline.

Ambry Genetics
Classification: Uncertain significance for Inborn genetic diseases. Last evaluated: 2021-10-12. Review status: criteria provided, single submitter. Criteria: Ambry Variant Classification Scheme 2023. Collection method: clinical testing. Allele origin: germline.

Eurofins Ntd Llc (ga)
Classification: Uncertain significance. Last evaluated: 2018-06-07. Review status: criteria provided, single submitter. Criteria: EGL ClinVar v180209 classification definitions. Collection method: clinical testing. Allele origin: germline. Observed: 3 variant alleles, 3 heterozygotes.

Illumina Laboratory Services, Illumina
Classification: Uncertain significance for Senior-Loken syndrome 4. Last evaluated: 2018-01-13. Review status: criteria provided, single submitter. Criteria: ICSL Variant Classification Criteria 13 December 2019. Collection method: clinical testing. Allele origin: germline.

Illumina Laboratory Services, Illumina
Classification: Uncertain significance for Nephronophthisis 4. Last evaluated: 2018-01-13. Review status: criteria provided, single submitter. Criteria: ICSL Variant Classification Criteria 13 December 2019. Collection method: clinical testing. Allele origin: germline.